The following is an entry in ClinVar:

ClinVar aggregate classification (germline): Pathogenic. Review status: criteria provided, multiple submitters, no conflicts (2 of 4 stars). 2 submissions from 2 submitters: Pathogenic (2). Last evaluated 2024-04-30.

Conditions:
Glutaric acidemia type 2C.
Multiple acyl-CoA dehydrogenase deficiency (MADD). Also called: ETHYLMALONIC-ADIPICACIDURIA; GA II; Glutaric aciduria, type 2; Glutaric acidemia type II; GA 2; Glutaric Acidemia type 2. Identifiers: Orphanet 26791, MedGen C0268596, MONDO:0009282, OMIM 231680.

Allele frequency attached by ClinVar (database versions not stated): TOPMed below 0.00001.

Submissions (2):

Natera, Inc.
Classification: Pathogenic for Glutaric acidemia type 2C. Last evaluated: 2024-04-30. Review status: criteria provided, single submitter. Criteria: Natera Variant Classification Schema (03/2026). Collection method: clinical testing. Allele origin: germline.
Comment: The c.3G>C variant in ETFDH is predicted to result in start loss due to disruption of the initiator methionine. This variant is expected to result in nonsense mediated decay, truncation, or a dysfunctional protein product. This variant is rare in the general population with a frequency below the threshold expected for the associated phenotype(s). This variant has been observed in one or more individuals affected with the associated recessive disease, as either homozygous or compound heterozygous with a second variant (PMID: 24357026, 29336361, 35734957). Given the available evidence, this variant is classified as Pathogenic.

Labcorp Genetics (formerly Invitae), Labcorp
Classification: Pathogenic for Multiple acyl-CoA dehydrogenase deficiency. Last evaluated: 2024-02-01. Review status: criteria provided, single submitter. Criteria: Invitae Variant Classification Sherloc (09022015). Collection method: clinical testing. Allele origin: germline.
Comment: This sequence change affects the initiator methionine of the ETFDH mRNA. The next in-frame methionine is located at codon 62. This variant is not present in population databases (gnomAD no frequency). Disruption of the initiator codon has been observed in individuals with multiple acyl-CoA dehydrogenase deficiency (PMID: 24357026, 29336361). ClinVar contains an entry for this variant (Variation ID: 2203581). This variant disrupts a region of the ETFDH protein in which other variant(s) (p.Pro27Ser) have been determined to be pathogenic (PMID: 3126856, 20023066, 27038534; Invitae). This suggests that this is a clinically significant region of the protein, and that variants that disrupt it are likely to be disease-causing. For these reasons, this variant has been classified as Pathogenic.

Literature cited by the submitters: PubMed 24357026 (cited by Natera, Inc. and Labcorp Genetics (formerly Invitae), Labcorp); PubMed 29336361 (cited by Natera, Inc. and Labcorp Genetics (formerly Invitae), Labcorp); PubMed 35734957 (cited by Natera, Inc.); PubMed 3126856 (cited by Labcorp Genetics (formerly Invitae), Labcorp); PubMed 20023066 (cited by Labcorp Genetics (formerly Invitae), Labcorp); PubMed 27038534 (cited by Labcorp Genetics (formerly Invitae), Labcorp).

NM_004453.4(ETFDH):c.3G>C (p.Met1Ile)

Gene: ETFDH (electron transfer flavoprotein dehydrogenase; plus strand). Cytogenetic location: 4q32.1.
Variant type: single nucleotide variant.
Coding change: c.3G>C on transcript NM_004453.4 (MANE Select); coding-DNA position 3, G replaced by C.
Protein change: p.Met1Ile; changes the start codon (methionine 1).
Molecular consequence: missense variant, initiator codon variant.
Genome position (GRCh38, 1-based): chr4:158,672,459, G>C. VCF-style: chr4-158672459-G-C. GRCh37 (hg19) VCF-style: chr4-159593611-G-C.
Other names: c.3G>C, p.Met1Ile (NM_001281737.2); c.3G>C (NM_004453.3); short protein forms M1I.
Identifiers: ClinVar variation 2203581 (VCV002203581.6), dbSNP rs1340862175, ClinGen allele CA358572985.